The following is an entry in ClinVar:

NM_032043.3(BRIP1):c.2069G>C (p.Gly690Ala)

Gene: BRIP1 (BRCA1 interacting DNA helicase 1; minus strand). Cytogenetic location: 17q23.2.
Variant type: single nucleotide variant.
Coding change: c.2069G>C on transcript NM_032043.3 (MANE Select); coding-DNA position 2069, G replaced by C.
Protein change: p.Gly690Ala; replaces glycine 690 with alanine.
Molecular consequence: missense variant.
Genome position (GRCh38, 1-based): chr17:61,776,429, C>G on the plus strand (G>C on the coding strand, the complement: BRIP1 is on the minus strand). VCF-style: chr17-61776429-C-G. GRCh37 (hg19) VCF-style: chr17-59853790-C-G.
Other names: short protein forms G690A.
Identifiers: ClinVar variation 2947192 (VCV002947192.3), dbSNP rs878855144, ClinGen allele CA400478079.

ClinVar aggregate classification (germline): Uncertain significance (1 of 4 stars; one submission).

Conditions:
Fanconi anemia complementation group J. Also called: BRIP1-Related Fanconi Anemia. Identifiers: Orphanet 84, MedGen C1836860, MONDO:0012187, OMIM 609054.
Familial cancer of breast. Also called: BREAST CANCER, FAMILIAL; Hereditary breast cancer; hereditary breast carcinoma. Identifiers: Orphanet 227535, MedGen C0346153, MONDO:0016419, OMIM 114480. Disease mechanism: loss of function.

Submission:

Labcorp Genetics (formerly Invitae), Labcorp
Classification: Uncertain significance for Familial cancer of breast; Fanconi anemia complementation group J. Last evaluated: 2025-05-12. Review status: criteria provided, single submitter. Criteria: Invitae Variant Classification Sherloc (09022015). Collection method: clinical testing. Allele origin: germline.
Comment: This sequence change replaces glycine, which is neutral and non-polar, with alanine, which is neutral and non-polar, at codon 690 of the BRIP1 protein (p.Gly690Ala). This variant is not present in population databases (gnomAD no frequency). This variant has not been reported in the literature in individuals affected with BRIP1-related conditions. ClinVar contains an entry for this variant (Variation ID: 2947192). Invitae Evidence Modeling of protein sequence and biophysical properties (such as structural, functional, and spatial information, amino acid conservation, physicochemical variation, residue mobility, and thermodynamic stability) indicates that this missense variant is expected to disrupt BRIP1 protein function with a positive predictive value of 95%. In summary, the available evidence is currently insufficient to determine the role of this variant in disease. Therefore, it has been classified as a Variant of Uncertain Significance.